The following is an entry in ClinVar:

NM_000271.5(NPC1):c.1955C>G (p.Ser652Trp)

Gene: NPC1 (NPC intracellular cholesterol transporter 1; minus strand). Cytogenetic location: 18q11.2.
Variant type: single nucleotide variant.
Coding change: c.1955C>G on transcript NM_000271.5 (MANE Select); coding-DNA position 1955, C replaced by G.
Protein change: p.Ser652Trp; replaces serine 652 with tryptophan.
Molecular consequence: missense variant.
Genome position (GRCh38, 1-based): chr18:23,544,519, G>C on the plus strand (C>G on the coding strand, the complement: NPC1 is on the minus strand). VCF-style: chr18-23544519-G-C. GRCh37 (hg19) VCF-style: chr18-21124483-G-C.
Other names: short protein forms S652W.
Identifiers: ClinVar variation 2630385 (VCV002630385.4), dbSNP rs765652543, ClinGen allele CA297059738.

ClinVar aggregate classification (germline): Pathogenic/Likely pathogenic. Review status: criteria provided, multiple submitters, no conflicts (2 of 4 stars). 3 submissions from 3 submitters: Pathogenic (1); Likely pathogenic (2). Last evaluated 2025-09-02.

Conditions:
NPC1-related disorder. Also called: NPC1-related condition.
Niemann-Pick disease, type C1. Also called: NIEMANN-PICK DISEASE, VARIANT TYPE C1; NEUROVISCERAL STORAGE DISEASE WITH VERTICAL SUPRANUCLEAR OPHTHALMOPLEGIA; NIEMANN-PICK DISEASE WITH CHOLESTEROL ESTERIFICATION BLOCK; NIEMANN-PICK DISEASE WITHOUT SPHINGOMYELINASE DEFICIENCY; NIEMANN-PICK DISEASE, CHRONIC NEURONOPATHIC FORM. Identifiers: Orphanet 646, MedGen C3179455, MONDO:0009757, OMIM 257220.

gnomAD v4.1: 1 of 1,614,110 alleles (0.000062%); no homozygotes.

Submissions (3):

Natera, Inc.
Classification: Likely pathogenic for Niemann-Pick disease type C1. Last evaluated: 2025-09-02. Review status: criteria provided, single submitter. Criteria: Natera Variant Classification Schema (03/2026). Collection method: clinical testing. Allele origin: germline.
Comment: The c.1955C>G variant in NPC1 is a missense variant predicted to cause substitution of serine to tryptophan at amino acid 652. This variant is rare in the general population with a frequency below the threshold expected for the associated phenotype(s). This variant has been observed in one or more individuals affected with the associated recessive disease, as either homozygous or compound heterozygous with a second variant (PMID: 11349231, 32921771). Additionally, this variant has been observed to segregate in affected family members (PMID: 32921771). Computational prediction algorithms indicate this variant is likely to affect gene or protein function. Given the available evidence, this variant is classified as Likely Pathogenic.

Labcorp Genetics (formerly Invitae), Labcorp
Classification: Pathogenic for Niemann-Pick disease, type C1. Last evaluated: 2024-12-10. Review status: criteria provided, single submitter. Criteria: Invitae Variant Classification Sherloc (09022015). Collection method: clinical testing. Allele origin: germline.
Comment: This sequence change replaces serine, which is neutral and polar, with tryptophan, which is neutral and slightly polar, at codon 652 of the NPC1 protein (p.Ser652Trp). This variant is not present in population databases (gnomAD no frequency). This missense change has been observed in individual(s) with Niemann-Pick type C (PMID: 11349231, 32921771). It has also been observed to segregate with disease in related individuals. ClinVar contains an entry for this variant (Variation ID: 2630385). Invitae Evidence Modeling of protein sequence and biophysical properties (such as structural, functional, and spatial information, amino acid conservation, physicochemical variation, residue mobility, and thermodynamic stability) indicates that this missense variant is expected to disrupt NPC1 protein function with a positive predictive value of 95%. For these reasons, this variant has been classified as Pathogenic.

PreventionGenetics, part of Exact Sciences
Classification: Likely pathogenic for NPC1-related condition. Last evaluated: 2023-02-13. Review status: criteria provided, single submitter. Criteria: ACMG Guidelines, 2015. Collection method: clinical testing. Allele origin: germline.
Comment: The NPC1 c.1955C>G variant is predicted to result in the amino acid substitution p.Ser652Trp. This variant has been reported in the compound heterozygous state in multiple unrelated individuals with Niemann-Pick disease, type C (Table 2, Sun X et al 2001. PubMed ID: 11349231; Table 4, Garver WS et al. 2010 PubMed ID: 19744920). This variant has also been reported in the compound heterozygous state in two siblings with Niemann-Pick disease who presented at different ages with unspecific neurologic symptoms (Soliani L et al 2020. PubMed ID: 32921771). This variant has not been reported in a large population database, indicating this variant is rare. This variant is interpreted as likely pathogenic.

Literature cited by the submitters: PubMed 11349231 (cited by Natera, Inc. and Labcorp Genetics (formerly Invitae), Labcorp); PubMed 32921771 (cited by Natera, Inc. and Labcorp Genetics (formerly Invitae), Labcorp).